The following is an entry in ClinVar:

ClinVar aggregate classification (germline): Uncertain significance. Review status: criteria provided, multiple submitters, no conflicts (2 of 4 stars). 3 submissions from 3 submitters: Uncertain significance (3). Last evaluated 2026-09-22.

Conditions:
Cardiovascular phenotype. Identifiers: MedGen CN230736.
TTN-related disorder. Also called: TTN-related condition; TTN-related disease; TTN-related disorders.
Myopathy, myofibrillar, 9, with early respiratory failure (MFM9). Also called: Hereditary myopathy with early respiratory failure; EDSTROM MYOPATHY; MYOPATHY, PROXIMAL, WITH EARLY RESPIRATORY MUSCLE INVOLVEMENT; Myopathy, distal, with early respiratory failure, autosomal dominant. Identifiers: Orphanet 178464, Orphanet 34521, MedGen C1863599, MONDO:0011362, OMIM 603689.
Autosomal recessive limb-girdle muscular dystrophy type 2J (LGMDR10). Also called: Limb-girdle muscular dystrophy, type 2J; MUSCULAR DYSTROPHY, LIMB-GIRDLE, AUTOSOMAL RECESSIVE 10. Identifiers: Orphanet 140922, MedGen C1837342, MONDO:0012127, OMIM 608807.
Dilated cardiomyopathy 1G (CMD1G). Identifiers: Orphanet 154, MedGen C1858763, MONDO:0011400, OMIM 604145.
Early-onset myopathy with fatal cardiomyopathy (CMYO5). Also called: Salih Myopathy; CONGENITAL MYOPATHY 5 WITH CARDIOMYOPATHY. Identifiers: Orphanet 289377, MedGen C2673677, MONDO:0012714, OMIM 611705. Disease mechanism: loss of function.
Tibial muscular dystrophy (TMD). Also called: Udd Distal Myopathy – Tibial Muscular Dystrophy; UDD MYOPATHY; Tibial muscular dystrophy, tardive. Identifiers: Orphanet 609, MedGen C1838244, MONDO:0010870, OMIM 600334.
Hypertrophic cardiomyopathy 9. Also called: Familial hypertrophic cardiomyopathy 9. Identifiers: MedGen C1861065, MONDO:0013412, OMIM 613765.

Allele frequency attached by ClinVar (database versions not stated): ESP Exome Variant Server 0.00016; gnomAD exomes 0.00003 and 0.00004; TOPMed 0.00003; gnomAD 0.00005 and 0.00006; ExAC 0.00006.
gnomAD v4.1: 61 of 1,613,426 alleles (0.0038%); highest among the groups gnomAD compares: African/African-American, 0.008%; no homozygotes.

Submissions (3):

PreventionGenetics, part of Exact Sciences
Classification: Uncertain significance for TTN-related condition. Last evaluated: 2026-09-22. Review status: criteria provided, single submitter. Criteria: ACMG Guidelines, 2015. Collection method: clinical testing. Allele origin: germline.
Comment: The TTN c.81503G>A variant is predicted to result in the amino acid substitution p.Arg27168His. To our knowledge, this variant has not been reported in the literature. This variant is reported in 0.013% of alleles in individuals of South Asian descent in gnomAD. At this time, the clinical significance of this variant is uncertain due to the absence of conclusive functional and genetic evidence.

Fulgent Genetics
Classification: Uncertain significance for Tibial muscular dystrophy; Myopathy, myofibrillar, 9, with early respiratory failure; Dilated cardiomyopathy 1G; Autosomal recessive limb-girdle muscular dystrophy type 2J; Early-onset myopathy with fatal cardiomyopathy; Hypertrophic cardiomyopathy 9. Last evaluated: 2021-09-30. Review status: criteria provided, single submitter. Criteria: ACMG Guidelines, 2015. Collection method: clinical testing. Allele origin: unknown.

Ambry Genetics
Classification: Uncertain significance for Cardiovascular phenotype. Last evaluated: 2018-05-30. Review status: criteria provided, single submitter. Criteria: Ambry Variant Classification Scheme 2023. Collection method: clinical testing. Allele origin: germline.
Comment: The p.R18103H variant (also known as c.54308G>A), located in coding exon 153 of the TTN gene, results from a G to A substitution at nucleotide position 54308. The arginine at codon 18103 is replaced by histidine, an amino acid with highly similar properties. This amino acid position is highly conserved in available vertebrate species. In addition, this alteration is predicted to be tolerated by in silico analysis. Since supporting evidence is limited at this time, the clinical significance of this alteration remains unclear.

NM_001267550.2(TTN):c.81503G>A (p.Arg27168His)

Genes: TTN (titin; minus strand), TTN-AS1 (TTN antisense RNA 1; plus strand). Cytogenetic location: 2q31.2.
Variant type: single nucleotide variant.
Coding change: c.81503G>A on transcript NM_001267550.2 (MANE Select); coding-DNA position 81503, G replaced by A.
Protein change: p.Arg27168His; replaces arginine 27168 with histidine.
Molecular consequence: missense variant.
Genome position (GRCh38, 1-based): chr2:178,564,629, C>T on the plus strand (G>A on the coding strand, the complement: TTN is on the minus strand). VCF-style: chr2-178564629-C-T. GRCh37 (hg19) VCF-style: chr2-179429356-C-T.
Other names: c.76580G>A, p.Arg25527His (NM_001256850.1); c.54308G>A, p.Arg18103His (NM_003319.4); c.73799G>A, p.Arg24600His (NM_133378.4); c.54683G>A, p.Arg18228His (NM_133432.3); c.54884G>A, p.Arg18295His (NM_133437.4); short protein forms R18103H, R27168H, R18228H, R24600H, R25527H, R18295H.
Identifiers: ClinVar variation 518550 (VCV000518550.7), dbSNP rs374160272, ClinGen allele CA1989201.